The following is an entry in ClinVar:

NM_000038.6(APC):c.5269T>C (p.Ser1757Pro)

Gene: APC (APC regulator of Wnt signaling pathway; plus strand). Cytogenetic location: 5q22.2.
Variant type: single nucleotide variant.
Coding change: c.5269T>C on transcript NM_000038.6 (MANE Select); coding-DNA position 5269, T replaced by C.
Protein change: p.Ser1757Pro; replaces serine 1757 with proline.
Molecular consequence: missense variant. On other transcripts: non-coding transcript variant (2).
Genome position (GRCh38, 1-based): chr5:112,840,863, T>C. VCF-style: chr5-112840863-T-C. GRCh37 (hg19) VCF-style: chr5-112176560-T-C.
Other names: c.5269T>C, p.Ser1757Pro (NM_001127510.3, NM_001354895.2, NM_001407450.1); c.5215T>C, p.Ser1739Pro (NM_001127511.3); c.5323T>C, p.Ser1775Pro (NM_001354896.2, NM_001407447.1, NM_001407448.1 and 1 more transcripts); c.5299T>C, p.Ser1767Pro (NM_001354897.2); c.5194T>C, p.Ser1732Pro (NM_001354898.2); c.5185T>C, p.Ser1729Pro (NM_001354899.2); c.5146T>C, p.Ser1716Pro (NM_001354900.2); c.5092T>C, p.Ser1698Pro (NM_001354901.2, NM_001407453.1); and 11 more; short protein forms S1631P, S1674P, S1732P, S1757P, S1474P, S1656P, S1729P, S1750P.
Identifiers: ClinVar variation 2816820 (VCV002816820.3), dbSNP rs2533632784, ClinGen allele CA16032849.
Genomic context (GRCh38, chr5:112,840,863, plus strand): 5'-AGTCACAAGCCTTTCCGTGTGAAAAAGATAATGGACCAGGTCCAGCAAGCATCTGCGTCT[T>C]CTTCTGCACCCAACAAAAATCAGTTAGATGGTAAGAAAAAGAAACCAACTTCACCAGTAA-3'
Protein context (NP_000029.2, residues 1747-1767): MDQVQQASAS[Ser1757Pro]SAPNKNQLDG

ClinVar aggregate classification (germline): Uncertain significance (1 of 4 stars; one submission).

Conditions:
Familial adenomatous polyposis 1 (FAP1). Also called: FAMILIAL ADENOMATOUS POLYPOSIS 1, ATTENUATED; POLYPOSIS, ADENOMATOUS INTESTINAL. Identifiers: MedGen C2713442, MONDO:0021056, OMIM 175100. Disease mechanism: loss of function.

Submission:

Labcorp Genetics (formerly Invitae), Labcorp
Classification: Uncertain significance for Familial adenomatous polyposis 1. Last evaluated: 2022-11-26. Review status: criteria provided, single submitter. Criteria: Invitae Variant Classification Sherloc (09022015). Collection method: clinical testing. Allele origin: germline.
Comment: Advanced modeling of protein sequence and biophysical properties (such as structural, functional, and spatial information, amino acid conservation, physicochemical variation, residue mobility, and thermodynamic stability) performed at Invitae indicates that this missense variant is not expected to disrupt APC protein function. In summary, the available evidence is currently insufficient to determine the role of this variant in disease. Therefore, it has been classified as a Variant of Uncertain Significance. This variant has not been reported in the literature in individuals affected with APC-related conditions. This variant is not present in population databases (gnomAD no frequency). This sequence change replaces serine, which is neutral and polar, with proline, which is neutral and non-polar, at codon 1757 of the APC protein (p.Ser1757Pro).